The following is an entry in ClinVar:

NM_000110.4(DPYD):c.*573G>A

Gene: DPYD (dihydropyrimidine dehydrogenase; minus strand). Cytogenetic location: 1p21.3.
Variant type: single nucleotide variant.
Coding change: c.*573G>A on transcript NM_000110.4 (MANE Select); 573 bases downstream of the stop codon, G replaced by A.
Molecular consequence: 3 prime UTR variant.
Genome position (GRCh38, 1-based): chr1:97,078,403, C>T on the plus strand (G>A on the coding strand, the complement: DPYD is on the minus strand). VCF-style: chr1-97078403-C-T. GRCh37 (hg19) VCF-style: chr1-97543959-C-T.
Identifiers: ClinVar variation 100067 (VCV000100067.6), dbSNP rs1042482, ClinGen allele CA228069.

ClinVar aggregate classification (germline): Benign. Review status: criteria provided, multiple submitters, no conflicts (2 of 4 stars). 3 submissions from 3 submitters: Benign (2). 1 of the submissions does not count toward it. Last evaluated 2018-01-13.

Conditions:
Dihydropyrimidine dehydrogenase deficiency (DPYDD). Also called: DPD DEFICIENCY; DPYD DEFICIENCY; Hereditary Thymine-Uraciluria. Identifiers: Orphanet 1675, MedGen C1959620, MONDO:0010130, OMIM 274270.

Allele frequency attached by ClinVar (database versions not stated): TOPMed 0.05638; gnomAD 0.05769 and 0.06281; gnomAD exomes 0.07217; 1000 Genomes Project 30x 0.08760; 1000 Genomes Project 0.08946.
gnomAD v4.1: 10,774 of 169,874 alleles (6.3%); highest among the groups gnomAD compares: South Asian, 17%; 453 homozygotes.

Submissions (3):

Illumina Laboratory Services, Illumina
Classification: Benign for Dihydropyrimidine dehydrogenase deficiency. Last evaluated: 2018-01-13. Review status: criteria provided, single submitter. Criteria: ICSL Variant Classification Criteria 13 December 2019. Collection method: clinical testing. Allele origin: germline.
Comment: This variant was observed in the ICSL laboratory as part of a predisposition screen in an ostensibly healthy population. It had not been previously curated by ICSL or reported in the Human Gene Mutation Database (HGMD: prior to June 1st, 2018), and was therefore a candidate for classification through an automated scoring system. Utilizing variant allele frequency, disease prevalence and penetrance estimates, and inheritance mode, an automated score was calculated to assess if this variant is too frequent to cause the disease. Based on the score and internal cut-off values, a variant classified as benign is not then subjected to further curation. The score for this variant resulted in a classification of benign for this disease.

Breakthrough Genomics
Classification: Benign. Review status: criteria provided, single submitter. Criteria: ACMG Guidelines, 2015. Collection method: not provided. Allele origin: germline. Inheritance: Autosomal recessive inheritance. Affected: yes.

Diasio Lab,  Mayo Clinic
No classification provided. Review status: no classification provided. Collection method: not provided. Allele origin: unknown. Not counted in ClinVar's aggregate classification.